The following is an entry in ClinVar:

NM_030957.4(ADAMTS10):c.1351C>G (p.Leu451Val)

Gene: ADAMTS10 (ADAM metallopeptidase with thrombospondin type 1 motif 10; minus strand). Cytogenetic location: 19p13.2.
Variant type: single nucleotide variant.
Coding change: c.1351C>G on transcript NM_030957.4 (MANE Select); coding-DNA position 1351, C replaced by G.
Protein change: p.Leu451Val; replaces leucine 451 with valine.
Molecular consequence: missense variant.
Genome position (GRCh38, 1-based): chr19:8,595,890, G>C on the plus strand (C>G on the coding strand, the complement: ADAMTS10 is on the minus strand). VCF-style: chr19-8595890-G-C. GRCh37 (hg19) VCF-style: chr19-8660774-G-C.
Other names: short protein forms L451V.
Identifiers: ClinVar variation 4729265 (VCV004729265.1).
Genomic context (GRCh38, chr19:8,595,890, plus strand): 5'-GGCCCGGTGCCACTGTCGGGTACACAAAGTCCTGTCTGGGGGGCCGGTTGTTCAGGCAGA[G>C]CCCCAGGCCCGAGCTGCCTCGAGAGAAAAGCAACTGTCATGCTAGGTGGCTGCAAATCAA-3'
Protein context (NP_112219.3, residues 441-461): ITSFLDSGLG[Leu451Val]CLNNRPPRQD

ClinVar aggregate classification (germline): Uncertain significance (1 of 4 stars; one submission).

Submission:

Labcorp Genetics (formerly Invitae), Labcorp
Classification: Uncertain significance. Last evaluated: 2025-10-15. Review status: criteria provided, single submitter. Criteria: Invitae Variant Classification Sherloc (09022015). Collection method: clinical testing. Allele origin: germline.
Comment: This sequence change replaces leucine, which is neutral and non-polar, with valine, which is neutral and non-polar, at codon 451 of the ADAMTS10 protein (p.Leu451Val). This variant is present in population databases (no rsID available, gnomAD 0.0009%). This variant has not been reported in the literature in individuals affected with ADAMTS10-related conditions. An algorithm developed to predict the effect of missense changes on protein structure and function (PolyPhen-2) suggests that this variant is likely to be disruptive. In summary, the available evidence is currently insufficient to determine the role of this variant in disease. Therefore, it has been classified as a Variant of Uncertain Significance.